The following is an entry in ClinVar:

ClinVar aggregate classification (germline): Pathogenic (1 of 4 stars; one submission).

Conditions:
Mucopolysaccharidosis type 1. Also called: IDUA deficiency; MPS I; Mucopolysaccharidosis Type I. Identifiers: Orphanet 579, MedGen C0023786, MONDO:0001586.

Submission:

Myriad Genetics, Inc.
Classification: Pathogenic for Mucopolysaccharidosis type 1. Last evaluated: 2026-02-24. Review status: criteria provided, single submitter. Criteria: Myriad Autosomal Dominant, Autosomal Recessive and X-Linked Classification Criteria (2023). Collection method: clinical testing. Allele origin: unknown.
Comment: NM_000203.3(IDUA):c.1592_1598del7ins2(R531Lfs*39) is expected to be pathogenic in the context of mucopolysaccharidosis type I. This variant is predicted to lead to an abnormal or absent protein product due to the creation of a premature termination codon in IDUA, a gene where loss-of-function variants are known to be pathogenic. Please note: this variant was assessed in the context of healthy population screening.

NM_000203.5(IDUA):c.1592_1598delinsTG (p.Arg531fs)

Gene: IDUA (alpha-L-iduronidase; plus strand). Cytogenetic location: 4p16.3.
Variant type: Indel.
Coding change: c.1592_1598delinsTG on transcript NM_000203.5 (MANE Select); coding-DNA positions 1592 to 1598, GGCTGCC replaced by TG.
Protein change: p.Arg531fs; shifts the reading frame from arginine 531.
Molecular consequence: frameshift variant. On other transcripts: non-coding transcript variant (1).
Genome position (GRCh38, 1-based): chr4:1,003,412-1,003,418, GGCTGCC replaced by TG. VCF-style: chr4-1003412-GGCTGCC-TG. GRCh37 (hg19) VCF-style: chr4-997200-GGCTGCC-TG.
Other names: c.1196_1202delinsTG, p.Arg399fs (NM_001363576.1); short protein forms R399fs, R531fs.
Identifiers: ClinVar variation 5015602 (VCV005015602.1).